The following is an entry in ClinVar:

ClinVar aggregate classification (germline): Likely pathogenic (1 of 4 stars; one submission).

Conditions:
MYH9-related disorder. Identifiers: MedGen C1854520.

Submission:

PreventionGenetics, part of Exact Sciences
Classification: Likely pathogenic for MYH9-related condition. Last evaluated: 2023-03-01. Review status: criteria provided, single submitter. Criteria: ACMG Guidelines, 2015. Collection method: clinical testing. Allele origin: germline.
Comment: The MYH9 c.4302delG variant is predicted to result in a frameshift and premature protein termination (p.Ser1435Alafs*76). To our knowledge, this variant has not been reported in the literature or in a large population database, indicating this variant is rare. Frameshift variants in MYH9 are expected to be pathogenic. This variant is interpreted as likely pathogenic.

NM_002473.6(MYH9):c.4302del (p.Ser1435fs)

Gene: MYH9 (myosin heavy chain 9; minus strand). Cytogenetic location: 22q12.3.
Variant type: Deletion.
Coding change: c.4302del on transcript NM_002473.6 (MANE Select); coding-DNA position 4302, one base deleted (G; older notation c.4302delG).
Protein change: p.Ser1435fs; shifts the reading frame from serine 1435.
Molecular consequence: frameshift variant.
Genome position (GRCh38, 1-based): chr22:36,292,028, C deleted on the plus strand (G on the coding strand, the reverse complement: MYH9 is on the minus strand). VCF-style (leftmost placement, unchanged base first): chr22-36292027-TC-T. GRCh37 (hg19) VCF-style: chr22-36688073-TC-T.
Other names: short protein forms S1435fs.
Identifiers: ClinVar variation 2633420 (VCV002633420.1), dbSNP rs2517958128, ClinGen allele CA2695200110.